The following is an entry in ClinVar:

ClinVar aggregate classification (germline): Likely pathogenic (1 of 4 stars; one submission).

Submission:

Dasa
Classification: Likely pathogenic. Last evaluated: 2025-09-19. Review status: criteria provided, single submitter. Criteria: DASA Assertion Criteria. Collection method: clinical testing. Allele origin: germline.
Comment: NM_001379659.1(ZNF142):c.2690dup (p.Glu898Argfs*12) is a frameshift variant in ZNF142 predicted to alter the reading frame and introduce a premature termination codon and is predicted to result in an absent or altered protein product. Loss of function is an established disease mechanism for ZNF142-associated disorders. Also, this variant is absent from population databases. Based on the currently available evidence, this variant is classified as likely pathogenic.

NM_001379659.1(ZNF142):c.2690dup (p.Glu898fs)

Gene: ZNF142 (zinc finger protein 142; minus strand). Cytogenetic location: 2q35.
Variant type: Duplication.
Coding change: c.2690dup on transcript NM_001379659.1 (MANE Select); coding-DNA position 2690, one base duplicated (T; older notation c.2690dupT).
Protein change: p.Glu898fs; shifts the reading frame from glutamic acid 898.
Molecular consequence: frameshift variant.
Genome position (GRCh38, 1-based): chr2:218,644,426, A duplicated on the plus strand (T on the coding strand, the reverse complement: ZNF142 is on the minus strand). VCF-style (leftmost placement, unchanged base first): chr2-218644425-T-TA. GRCh37 (hg19) VCF-style: chr2-219509148-T-TA.
Other names: c.2090dup, p.Glu698Argfs (NM_001105537.5, NM_001366291.3); c.1601dup, p.Glu535Argfs (NM_001366287.3, NM_001366288.3, NM_001366289.3); c.2690dup, p.Glu898fs (NM_001366290.3, NM_001379660.1, NM_001379661.1); c.2090dup, p.Glu698fs (NM_001379662.1); short protein forms E535fs, E698fs, E898fs.
Identifiers: ClinVar variation 4886461 (VCV004886461.2).
Genomic context (GRCh38, chr2:218,644,425, plus strand): 5'-TTCAGTGACCTCCTCAAGGGGTGGCTCAGTCACAGACTCCAGCTCTACTCCCAGGGCCTC[T>TA]AGGTGTAGTGTGCAGCTGCCCTCCTCCACCTCTGCTGGGCTGGGACTGCCACCCAGGTCA-3'